The following is an entry in ClinVar:

ClinVar aggregate classification (germline): Uncertain significance (1 of 4 stars; one submission).

Conditions:
Spastic paraplegia. Identifiers: MedGen C0037772, HP:0001258.

Submission:

Labcorp Genetics (formerly Invitae), Labcorp
Classification: Uncertain significance for Spastic paraplegia. Last evaluated: 2022-05-15. Review status: criteria provided, single submitter. Criteria: Invitae Variant Classification Sherloc (09022015). Collection method: clinical testing. Allele origin: germline.
Comment: In summary, the available evidence is currently insufficient to determine the role of this variant in disease. Therefore, it has been classified as a Variant of Uncertain Significance. Advanced modeling of protein sequence and biophysical properties (such as structural, functional, and spatial information, amino acid conservation, physicochemical variation, residue mobility, and thermodynamic stability) performed at Invitae indicates that this missense variant is expected to disrupt KDM5C protein function. This variant has not been reported in the literature in individuals affected with KDM5C-related conditions. This variant is not present in population databases (gnomAD no frequency). This sequence change replaces valine, which is neutral and non-polar, with glutamic acid, which is acidic and polar, at codon 81 of the KDM5C protein (p.Val81Glu).

NM_004187.5(KDM5C):c.242T>A (p.Val81Glu)

Gene: KDM5C (lysine demethylase 5C; minus strand). Cytogenetic location: Xp11.22.
Variant type: single nucleotide variant.
Coding change: c.242T>A on transcript NM_004187.5 (MANE Select); coding-DNA position 242, T replaced by A.
Protein change: p.Val81Glu; replaces valine 81 with glutamic acid.
Molecular consequence: missense variant. On other transcripts: non-coding transcript variant (2), intron variant (1).
Genome position (GRCh38, 1-based): chrX:53,218,385, A>T on the plus strand (T>A on the coding strand, the complement: KDM5C is on the minus strand). VCF-style: chrX-53218385-A-T. GRCh37 (hg19) VCF-style: chrX-53247567-A-T.
Other names: c.242T>A, p.Val81Glu (NM_001282622.3, NM_001353978.3, NM_001353979.2 and 3 more transcripts); c.151-419T>A (NM_001146702.2); short protein forms V81E.
Identifiers: ClinVar variation 1994545 (VCV001994545.4), dbSNP rs2519580758, ClinGen allele CA413131843.